The following is an entry in ClinVar:

NM_001378454.1(ALMS1):c.7391G>A (p.Gly2464Asp)

Gene: ALMS1 (ALMS1 centrosome and basal body associated protein; plus strand). Cytogenetic location: 2p13.1.
Variant type: single nucleotide variant.
Coding change: c.7391G>A on transcript NM_001378454.1 (MANE Select); coding-DNA position 7391, G replaced by A.
Protein change: p.Gly2464Asp; replaces glycine 2464 with aspartic acid.
Molecular consequence: missense variant.
Genome position (GRCh38, 1-based): chr2:73,453,918, G>A. VCF-style: chr2-73453918-G-A. GRCh37 (hg19) VCF-style: chr2-73681045-G-A.
Other names: c.7394G>A, p.Gly2465Asp (NM_015120.4); short protein forms G2464D, G2465D.
Identifiers: ClinVar variation 1373528 (VCV001373528.6), dbSNP rs779815578, ClinGen allele CA1714226.

ClinVar aggregate classification (germline): Uncertain significance. Review status: criteria provided, multiple submitters, no conflicts (2 of 4 stars). 4 submissions from 4 submitters: Uncertain significance (4). Last evaluated 2025-05-05.

Conditions:
Cardiovascular phenotype. Identifiers: MedGen CN230736.
Alstrom syndrome (ALMS). Identifiers: Orphanet 64, MedGen C0268425, MONDO:0008763, OMIM 203800.

Allele frequency attached by ClinVar (database versions not stated): ExAC 0.00001; TOPMed 0.00002.
gnomAD v4.1: 2 of 1,614,100 alleles (0.00012%); highest among the groups gnomAD compares: African/African-American, 0.0027%; no homozygotes.

Submissions (4):

Ambry Genetics
Classification: Uncertain significance for Cardiovascular phenotype. Last evaluated: 2025-05-05. Review status: criteria provided, single submitter. Criteria: Ambry Variant Classification Scheme 2023. Collection method: clinical testing. Allele origin: germline.
Comment: The p.G2465D variant (also known as c.7394G>A), located in coding exon 8 of the ALMS1 gene, results from a G to A substitution at nucleotide position 7394. The glycine at codon 2465 is replaced by aspartic acid, an amino acid with similar properties. This amino acid position is not well conserved in available vertebrate species. In addition, this alteration is predicted to be tolerated by in silico analysis. Based on the available evidence, the clinical significance of this variant remains unclear.

GeneDx
Classification: Uncertain significance. Last evaluated: 2024-09-26. Review status: criteria provided, single submitter. Criteria: GeneDx Variant Classification Process June 2021. Collection method: clinical testing. Allele origin: germline. Affected: yes.
Comment: Not observed at significant frequency in large population cohorts (gnomAD); In silico analysis indicates that this missense variant does not alter protein structure/function; Has not been previously published as pathogenic or benign to our knowledge

Blueprint Genetics
Classification: Uncertain significance. Last evaluated: 2021-09-08. Review status: criteria provided, single submitter. Criteria: ACMG Guidelines, 2015. Collection method: clinical testing. Allele origin: germline.

Labcorp Genetics (formerly Invitae), Labcorp
Classification: Uncertain significance for Alstrom syndrome. Last evaluated: 2021-03-01. Review status: criteria provided, single submitter. Criteria: Invitae Variant Classification Sherloc (09022015). Collection method: clinical testing. Allele origin: germline.
Comment: This sequence change replaces glycine with aspartic acid at codon 2465 of the ALMS1 protein (p.Gly2465Asp). The glycine residue is moderately conserved and there is a moderate physicochemical difference between glycine and aspartic acid. This variant is present in population databases (rs779815578, ExAC 0.01%). This variant has not been reported in the literature in individuals with ALMS1-related conditions. Experimental studies and prediction algorithms are not available or were not evaluated, and the functional significance of this variant is currently unknown. In summary, the available evidence is currently insufficient to determine the role of this variant in disease. Therefore, it has been classified as a Variant of Uncertain Significance.